The following is an entry in ClinVar:

NM_001958.5(EEF1A2):c.737T>C (p.Leu246Pro)

Gene: EEF1A2 (eukaryotic translation elongation factor 1 alpha 2; minus strand). Cytogenetic location: 20q13.33.
Variant type: single nucleotide variant.
Coding change: c.737T>C on transcript NM_001958.5 (MANE Select); coding-DNA position 737, T replaced by C.
Protein change: p.Leu246Pro; replaces leucine 246 with proline.
Molecular consequence: missense variant.
Genome position (GRCh38, 1-based): chr20:63,493,172, A>G on the plus strand (T>C on the coding strand, the complement: EEF1A2 is on the minus strand). VCF-style: chr20-63493172-A-G. GRCh37 (hg19) VCF-style: chr20-62124525-A-G.
Other names: short protein forms L246P.
Identifiers: ClinVar variation 2907553 (VCV002907553.3), dbSNP rs2516781227, ClinGen allele CA409648662.

ClinVar aggregate classification (germline): Uncertain significance (1 of 4 stars; one submission).

Conditions:
Developmental and epileptic encephalopathy, 33 (DEE33). Also called: Epileptic encephalopathy, early infantile, 33. Identifiers: Orphanet 442835, MedGen C4225337, MONDO:0014625, OMIM 616409.

Submission:

Labcorp Genetics (formerly Invitae), Labcorp
Classification: Uncertain significance for Developmental and epileptic encephalopathy, 33. Last evaluated: 2022-11-22. Review status: criteria provided, single submitter. Criteria: Invitae Variant Classification Sherloc (09022015). Collection method: clinical testing. Allele origin: germline.
Comment: In summary, the available evidence is currently insufficient to determine the role of this variant in disease. Therefore, it has been classified as a Variant of Uncertain Significance. Advanced modeling of protein sequence and biophysical properties (such as structural, functional, and spatial information, amino acid conservation, physicochemical variation, residue mobility, and thermodynamic stability) performed at Invitae indicates that this missense variant is expected to disrupt EEF1A2 protein function. This missense change has been observed in individual(s) with EEF1A2-related conditions (PMID: 30377530). This variant is not present in population databases (gnomAD no frequency). This sequence change replaces leucine, which is neutral and non-polar, with proline, which is neutral and non-polar, at codon 246 of the EEF1A2 protein (p.Leu246Pro).

Literature cited by the submitters: PubMed 30377530.